The following is an entry in ClinVar:

ClinVar aggregate classification (germline): Uncertain significance (1 of 4 stars; one submission).

Conditions:
NBEA-related intellectual disability.

Submission:

Illumina Laboratory Services, Illumina
Classification: Uncertain significance for NBEA-related intellectual disability. Last evaluated: 2019-01-15. Review status: criteria provided, single submitter. Criteria: ICSLVariantClassificationCriteria RUGD 01 April 2020. Collection method: clinical testing. Allele origin: unknown.
Comment: The NBEA c.4691C>T (p.Ala1564Val) variant is a missense variant. A literature search was performed for the gene, cDNA, and amino acid change. No publications were found based on this search. This variant is not found in the Genome Aggregation Database in a region of good sequence coverage so is presumed to be rare. Based on the limited evidence, the p.Ala1564Val variant is classified as a variant of uncertain significance for NBEA-related intellectual disability.

NM_001385012.1(NBEA):c.4691C>T (p.Ala1564Val)

Gene: NBEA (neurobeachin; plus strand). Cytogenetic location: 13q13.3.
Variant type: single nucleotide variant.
Coding change: c.4691C>T on transcript NM_001385012.1 (MANE Select); coding-DNA position 4691, C replaced by T.
Protein change: p.Ala1564Val; replaces alanine 1564 with valine.
Molecular consequence: missense variant.
Genome position (GRCh38, 1-based): chr13:35,182,388, C>T. VCF-style: chr13-35182388-C-T. GRCh37 (hg19) VCF-style: chr13-35756525-C-T.
Other names: c.4682C>T, p.Ala1561Val (NM_001379245.1); c.4691C>T, p.Ala1564Val (NM_015678.5); short protein forms A1561V, A1564V.
Identifiers: ClinVar variation 989302 (VCV000989302.4), dbSNP rs2071378660, ClinGen allele CA387832792.